The following is an entry in ClinVar:

Conditions:
Arteriohepatic dysplasia. Also called: Alagille Syndrome. Identifiers: Orphanet 52, MedGen C0085280, MeSH D016738, MONDO:0007318.

Submission:

Gilbert/Spinner Lab, Children's Hospital of Philadelphia
No classification provided (evidence only). Condition: Alagille syndrome. Review status: no classification provided. Collection method: research. Allele origin: not applicable. Functional consequence: functionally_abnormal.
ClinVar note: "not provided" was previously submitted as the classification for the variant. However, the classification appeared to be based only on an observation of functional data so it was converted to no classification on 2025-07-30.

NM_000214.3(JAG1):c.541T>C (p.Tyr181His)

Gene: JAG1 (jagged canonical Notch ligand 1; minus strand). Cytogenetic location: 20p12.2.
Variant type: single nucleotide variant.
Coding change: c.541T>C on transcript NM_000214.3 (MANE Select); coding-DNA position 541, T replaced by C.
Protein change: p.Tyr181His; replaces tyrosine 181 with histidine.
Molecular consequence: missense variant.
Genome position (GRCh38, 1-based): chr20:10,658,621, A>G on the plus strand (T>C on the coding strand, the complement: JAG1 is on the minus strand). VCF-style: chr20-10658621-A-G. GRCh37 (hg19) VCF-style: chr20-10639269-A-G.
Other names: short protein forms Y181H.
Identifiers: ClinVar variation 3573054 (VCV003573054.2).